The following is an entry in ClinVar:

NM_003105.6(SORL1):c.3337C>T (p.Pro1113Ser)

Genes: SORL1 (sortilin related receptor 1; plus strand), LOC130006953 (ATAC-STARR-seq lymphoblastoid active region 5661; plus strand). Cytogenetic location: 11q24.1.
Variant type: single nucleotide variant.
Coding change: c.3337C>T on transcript NM_003105.6 (MANE Select); coding-DNA position 3337, C replaced by T.
Protein change: p.Pro1113Ser; replaces proline 1113 with serine.
Molecular consequence: missense variant.
Genome position (GRCh38, 1-based): chr11:121,570,270, C>T. VCF-style: chr11-121570270-C-T. GRCh37 (hg19) VCF-style: chr11-121440979-C-T.
Other names: c.3337C>T (NM_003105.5); short protein forms P1113S.
Identifiers: ClinVar variation 1513381 (VCV001513381.7), dbSNP rs753341957, ClinGen allele CA6329208.

ClinVar aggregate classification (germline): Uncertain significance. Review status: criteria provided, multiple submitters, no conflicts (2 of 4 stars). 2 submissions from 2 submitters: Uncertain significance (2). Last evaluated 2026-08-05.

Conditions:
SORL1-related disorder. Also called: SORL1-related condition.

Allele frequency attached by ClinVar (database versions not stated): gnomAD exomes 0.00002; ExAC 0.00003; gnomAD 0.00003; TOPMed 0.00007.
gnomAD v4.1: 97 of 1,605,876 alleles (0.006%); highest among the groups gnomAD compares: Non-Finnish European, 0.0077%; no homozygotes.

Submissions (2):

PreventionGenetics, part of Exact Sciences
Classification: Uncertain significance for SORL1-related condition. Last evaluated: 2026-08-05. Review status: criteria provided, single submitter. Criteria: ACMG Guidelines, 2015. Collection method: clinical testing. Allele origin: germline.
Comment: The SORL1 c.3337C>T variant is predicted to result in the amino acid substitution p.Pro1113Ser. To our knowledge, this variant has not been reported in the literature. This variant is reported in 0.0047% of alleles in individuals of European (Non-Finnish) descent in gnomAD. At this time, the clinical significance of this variant is uncertain due to the absence of conclusive functional and genetic evidence.

Labcorp Genetics (formerly Invitae), Labcorp
Classification: Uncertain significance. Last evaluated: 2023-03-14. Review status: criteria provided, single submitter. Criteria: Invitae Variant Classification Sherloc (09022015). Collection method: clinical testing. Allele origin: germline.
Comment: In summary, the available evidence is currently insufficient to determine the role of this variant in disease. Therefore, it has been classified as a Variant of Uncertain Significance. An algorithm developed to predict the effect of missense changes on protein structure and function (PolyPhen-2) suggests that this variant is likely to be tolerated. ClinVar contains an entry for this variant (Variation ID: 1513381). This variant has not been reported in the literature in individuals affected with SORL1-related conditions. This variant is present in population databases (rs753341957, gnomAD 0.005%). This sequence change replaces proline, which is neutral and non-polar, with serine, which is neutral and polar, at codon 1113 of the SORL1 protein (p.Pro1113Ser).